The following is an entry in ClinVar:

NM_032383.5(HPS3):c.2182G>A (p.Glu728Lys)

Gene: HPS3 (HPS3 biogenesis of lysosomal organelles complex 2 subunit 1; plus strand). Cytogenetic location: 3q24.
Variant type: single nucleotide variant.
Coding change: c.2182G>A on transcript NM_032383.5 (MANE Select); coding-DNA position 2182, G replaced by A.
Protein change: p.Glu728Lys; replaces glutamic acid 728 with lysine.
Molecular consequence: missense variant.
Genome position (GRCh38, 1-based): chr3:149,162,223, G>A. VCF-style: chr3-149162223-G-A. GRCh37 (hg19) VCF-style: chr3-148880010-G-A.
Other names: c.1687G>A, p.Glu563Lys (NM_001308258.2); c.2182G>A (NM_032383.3); short protein forms E728K, E563K.
Identifiers: ClinVar variation 2155544 (VCV002155544.2), dbSNP rs758736477, ClinGen allele CA2660254.
Genomic context (GRCh38, chr3:149,162,223, plus strand): 5'-GGCTTCATTCTGGAACCTCGGCTGTTGATTCAACAGAGAAAGGGACAGATTGTTCCAACC[G>A]AGCTTGCACTTCACTTGAAGGAAACTCAGCCTGGATTGCTTGTGGCTTCAGTTCTGGGCT-3'
Protein context (NP_115759.2, residues 718-738): QQRKGQIVPT[Glu728Lys]LALHLKETQP

ClinVar aggregate classification (germline): Uncertain significance. Review status: criteria provided, multiple submitters, no conflicts (2 of 4 stars). 2 submissions from 2 submitters: Uncertain significance (2). Last evaluated 2025-02-23.

Conditions:
Inborn genetic diseases. Identifiers: MedGen C0950123, MeSH D030342.

Allele frequency attached by ClinVar (database versions not stated): gnomAD 0.00001; ExAC 0.00009.
gnomAD v4.1: 30 of 1,613,848 alleles (0.0019%); highest among the groups gnomAD compares: East Asian, 0.053%; no homozygotes.

Submissions (2):

Ambry Genetics
Classification: Uncertain significance for Inborn genetic diseases. Last evaluated: 2025-02-23. Review status: criteria provided, single submitter. Criteria: Ambry Variant Classification Scheme 2023. Collection method: clinical testing. Allele origin: germline.

Labcorp Genetics (formerly Invitae), Labcorp
Classification: Uncertain significance. Last evaluated: 2022-07-03. Review status: criteria provided, single submitter. Criteria: Invitae Variant Classification Sherloc (09022015). Collection method: clinical testing. Allele origin: germline.
Comment: This sequence change replaces glutamic acid, which is acidic and polar, with lysine, which is basic and polar, at codon 728 of the HPS3 protein (p.Glu728Lys). This variant is present in population databases (rs758736477, gnomAD 0.09%). This variant has not been reported in the literature in individuals affected with HPS3-related conditions. Algorithms developed to predict the effect of missense changes on protein structure and function (SIFT, PolyPhen-2, Align-GVGD) all suggest that this variant is likely to be tolerated. In summary, the available evidence is currently insufficient to determine the role of this variant in disease. Therefore, it has been classified as a Variant of Uncertain Significance.